The following is an entry in ClinVar:

NM_205836.3(FBXO38):c.2149T>C (p.Ser717Pro)

Gene: FBXO38 (F-box protein 38; plus strand). Cytogenetic location: 5q32.
Variant type: single nucleotide variant.
Coding change: c.2149T>C on transcript NM_205836.3 (MANE Select); coding-DNA position 2149, T replaced by C.
Protein change: p.Ser717Pro; replaces serine 717 with proline.
Molecular consequence: missense variant. On other transcripts: intron variant (1).
Genome position (GRCh38, 1-based): chr5:148,427,443, T>C. VCF-style: chr5-148427443-T-C. GRCh37 (hg19) VCF-style: chr5-147807006-T-C.
Other names: c.2149T>C, p.Ser717Pro (NM_030793.5); c.1918+1742T>C (NM_001271723.2); short protein forms S717P.
Identifiers: ClinVar variation 3345694 (VCV003345694.1).

ClinVar aggregate classification (germline): Uncertain significance (0 of 4 stars; one submission).

Conditions:
FBXO38-related disorder. Also called: FBXO38-related condition.

gnomAD v4.1: 1 of 1,614,174 alleles (0.000062%); highest among the groups gnomAD compares: African/African-American, 0.0013%; no homozygotes.

Submission:

PreventionGenetics, part of Exact Sciences
Classification: Uncertain significance for FBXO38-related condition. Last evaluated: 2024-09-13. Review status: no assertion criteria provided. Collection method: clinical testing. Allele origin: germline.
Comment: The FBXO38 c.2149T>C variant is predicted to result in the amino acid substitution p.Ser717Pro. To our knowledge, this variant has not been reported in the literature. This variant is reported in 0.0062% of alleles in individuals of African descent in gnomAD. At this time, the clinical significance of this variant is uncertain due to the absence of conclusive functional and genetic evidence.